The following is an entry in ClinVar:

NC_000015.9:g.(?_90773716)_(90777117_?)dup

Gene: CIB1 (calcium and integrin binding 1; minus strand). Cytogenetic location: 15q26.1.
Variant type: Duplication.
Identifiers: ClinVar variation 2424089 (VCV002424089.3).

ClinVar aggregate classification (germline): Uncertain significance (1 of 4 stars; one submission).

Submission:

Labcorp Genetics (formerly Invitae), Labcorp
Classification: Uncertain significance. Last evaluated: 2022-04-06. Review status: criteria provided, single submitter. Criteria: Invitae Variant Classification Sherloc (09022015). Collection method: clinical testing. Allele origin: germline.
Comment: A copy number gain of the genomic region encompassing the full coding sequence of the CIB1 gene has been identified. The boundaries of this event are unknown as they extend beyond the assayed region for this gene and therefore may encompass additional genes. As the precise location of this event is unknown, it may be in tandem or it may be located elsewhere in the genome. This variant has not been reported in the literature in individuals affected with CIB1-related conditions. In summary, the available evidence is currently insufficient to determine the role of this variant in disease. Therefore, it has been classified as a Variant of Uncertain Significance.